The following is an entry in ClinVar:

ClinVar aggregate classification (germline): Uncertain significance (1 of 4 stars; one submission).

Conditions:
Cardiovascular phenotype. Identifiers: MedGen CN230736.

Submission:

Ambry Genetics
Classification: Uncertain significance for Cardiovascular phenotype. Last evaluated: 2022-09-26. Review status: criteria provided, single submitter. Criteria: Ambry Variant Classification Scheme 2023. Collection method: clinical testing. Allele origin: germline.
Comment: The p.A242V variant (also known as c.725C>T), located in coding exon 1 of the FOXE3 gene, results from a C to T substitution at nucleotide position 725. The alanine at codon 242 is replaced by valine, an amino acid with similar properties. This amino acid position is conserved. In addition, this alteration is predicted to be tolerated by in silico analysis. Since supporting evidence is limited at this time, the clinical significance of this alteration remains unclear.

NM_012186.3(FOXE3):c.725C>T (p.Ala242Val)

Genes: FOXE3 (forkhead box E3; plus strand), LINC01389 (long intergenic non-protein coding RNA 1389; minus strand). Cytogenetic location: 1p33.
Variant type: single nucleotide variant.
Coding change: c.725C>T on transcript NM_012186.3 (MANE Select); coding-DNA position 725, C replaced by T.
Protein change: p.Ala242Val; replaces alanine 242 with valine.
Molecular consequence: missense variant.
Genome position (GRCh38, 1-based): chr1:47,417,040, C>T. VCF-style: chr1-47417040-C-T. GRCh37 (hg19) VCF-style: chr1-47882712-C-T.
Other names: short protein forms A242V.
Identifiers: ClinVar variation 1757957 (VCV001757957.2), dbSNP rs2124044142, ClinGen allele CA340250595.